The following is an entry in ClinVar:

ClinVar aggregate classification (germline): Uncertain significance (1 of 4 stars; one submission).

Submission:

Ambry Genetics
Classification: Uncertain significance. Last evaluated: 2018-07-06. Review status: criteria provided, single submitter. Criteria: Ambry Variant Classification Scheme 2023. Collection method: clinical testing. Allele origin: germline.
Comment: The p.A24T variant (also known as c.70G>A), located in coding exon 1 of the CRH gene, results from a G to A substitution at nucleotide position 70. The alanine at codon 24 is replaced by threonine, an amino acid with similar properties. This amino acid position is well conserved in available vertebrate species. In addition, the in silico prediction for this alteration is inconclusive. Since supporting evidence is limited at this time, the clinical significance of this alteration remains unclear.

NM_000756.4(CRH):c.70G>A (p.Ala24Thr)

Genes: CRH (corticotropin releasing hormone; minus strand), LOC130000523 (ATAC-STARR-seq lymphoblastoid active region 27476; plus strand). Cytogenetic location: 8q13.1.
Variant type: single nucleotide variant.
Coding change: c.70G>A on transcript NM_000756.4 (MANE Select); coding-DNA position 70, G replaced by A.
Protein change: p.Ala24Thr; replaces alanine 24 with threonine.
Molecular consequence: missense variant.
Genome position (GRCh38, 1-based): chr8:66,177,408, C>T on the plus strand (G>A on the coding strand, the complement: CRH is on the minus strand). VCF-style: chr8-66177408-C-T. GRCh37 (hg19) VCF-style: chr8-67089643-C-T.
Other names: short protein forms A24T.
Identifiers: ClinVar variation 1757170 (VCV001757170.2), dbSNP rs2536889276, ClinGen allele CA371344694.